The following is an entry in ClinVar:

NM_001035.3(RYR2):c.6504C>A (p.His2168Gln)

Gene: RYR2 (ryanodine receptor 2; plus strand). Cytogenetic location: 1q43.
Variant type: single nucleotide variant.
Coding change: c.6504C>A on transcript NM_001035.3 (MANE Select); coding-DNA position 6504, C replaced by A.
Protein change: p.His2168Gln; replaces histidine 2168 with glutamine.
Molecular consequence: missense variant.
Genome position (GRCh38, 1-based): chr1:237,631,490, C>A. VCF-style: chr1-237631490-C-A. GRCh37 (hg19) VCF-style: chr1-237794790-C-A.
Other names: short protein forms H2168Q.
Identifiers: ClinVar variation 1051501 (VCV001051501.48), dbSNP rs760237464, ClinGen allele CA345413160.

ClinVar aggregate classification (germline): Pathogenic (1 of 4 stars; one submission).

Conditions:
Catecholaminergic polymorphic ventricular tachycardia 1. Also called: VENTRICULAR TACHYCARDIA, STRESS-INDUCED POLYMORPHIC 1; VENTRICULAR TACHYCARDIA, CATECHOLAMINERGIC POLYMORPHIC, 1, WITH OR WITHOUT ATRIAL DYSFUNCTION AND/OR DILATED CARDIOMYOPATHY; RYR2-Related Catecholaminergic Polymorphic Ventricular Tachycardia. Identifiers: Orphanet 3286, MedGen C1631597, MONDO:0011484, OMIM 604772.

Submission:

Labcorp Genetics (formerly Invitae), Labcorp
Classification: Pathogenic for Catecholaminergic polymorphic ventricular tachycardia 1. Last evaluated: 2022-11-29. Review status: criteria provided, single submitter. Criteria: Invitae Variant Classification Sherloc (09022015). Collection method: clinical testing. Allele origin: germline.
Comment: For these reasons, this variant has been classified as Pathogenic. Advanced modeling of protein sequence and biophysical properties (such as structural, functional, and spatial information, amino acid conservation, physicochemical variation, residue mobility, and thermodynamic stability) performed at Invitae indicates that this missense variant is expected to disrupt RYR2 protein function. ClinVar contains an entry for this variant (Variation ID: 1051501). This missense change has been observed in individuals with RYR2-related conditions (PMID: 19926015, 29453246, 31112425). This variant is not present in population databases (gnomAD no frequency). This sequence change replaces histidine, which is basic and polar, with glutamine, which is neutral and polar, at codon 2168 of the RYR2 protein (p.His2168Gln).

Literature cited by the submitters: PubMed 19926015; PubMed 29453246; PubMed 31112425.